The following is an entry in ClinVar:

NM_000222.3(KIT):c.925+7del

Gene: KIT (KIT proto-oncogene, receptor tyrosine kinase; plus strand). Cytogenetic location: 4q12.
Variant type: Deletion.
Coding change: c.925+7del on transcript NM_000222.3 (MANE Select); 7 bases into the intron after coding-DNA position 925, one base deleted (A; older notation c.925+7delA).
Molecular consequence: intron variant.
Genome position (GRCh38, 1-based): chr4:54,703,899, A deleted. VCF-style (leftmost placement, unchanged base first): chr4-54703898-TA-T. GRCh37 (hg19) VCF-style: chr4-55570064-TA-T.
Other names: c.928+7del (NM_001385284.1, NM_001385290.1, NM_001385288.1 and 1 more transcripts); c.925+7del (NM_001385285.1, NM_001093772.2, NM_001385286.1).
Identifiers: ClinVar variation 2015577 (VCV002015577.4), dbSNP rs2475469953, ClinGen allele CA2580071130.
Genomic context (GRCh38, chr4:54,703,898, plus strand): 5'-TATGCCAATAATACTTTTGGATCAGCAAATGTCACAACAACCTTGGAAGTAGTAGGTAAA[TA>T]CCTCTATGGGAATGTTTAAATTACTGGCAGTAGTGAAAGAAGAAATTATTAGACAGTTTC-3'

ClinVar aggregate classification (germline): Uncertain significance (1 of 4 stars; one submission).

Conditions:
Gastrointestinal stromal tumor. Also called: Gastrointestinal stroma tumor; Gastrointestinal stromal tumor, somatic. Identifiers: Orphanet 44890, MedGen C0238198, MeSH D046152, MONDO:0011719, OMIM 606764, HP:0100723.

Submission:

Labcorp Genetics (formerly Invitae), Labcorp
Classification: Uncertain significance for Gastrointestinal stromal tumor. Last evaluated: 2022-07-09. Review status: criteria provided, single submitter. Criteria: Invitae Variant Classification Sherloc (09022015). Collection method: clinical testing. Allele origin: germline.
Comment: This sequence change falls in intron 5 of the KIT gene. It does not directly change the encoded amino acid sequence of the KIT protein. This variant is not present in population databases (gnomAD no frequency). This variant has not been reported in the literature in individuals affected with KIT-related conditions. Algorithms developed to predict the effect of sequence changes on RNA splicing suggest that this variant may create or strengthen a splice site. In summary, the available evidence is currently insufficient to determine the role of this variant in disease. Therefore, it has been classified as a Variant of Uncertain Significance.